The following is an entry in ClinVar:

NM_017641.3(KIF21A):c.-195A>G

Gene: KIF21A (kinesin family member 21A; minus strand). Cytogenetic location: 12q12.
Variant type: single nucleotide variant.
Coding change: c.-195A>G on transcript NM_017641.3; 195 bases upstream of the start codon, A replaced by G.
Genome position (GRCh38, 1-based): chr12:39,443,165, T>C on the plus strand (A>G on the coding strand, the complement: KIF21A is on the minus strand). VCF-style: chr12-39443165-T-C. GRCh37 (hg19) VCF-style: chr12-39836967-T-C.
Identifiers: ClinVar variation 308599 (VCV000308599.7), dbSNP rs532130145, ClinGen allele CA10637344.

ClinVar aggregate classification (germline): Benign (1 of 4 stars; one submission).

Conditions:
Congenital fibrosis of extraocular muscles type 1. Also called: FEOM1 LOCUS; OPHTHALMOPLEGIA, CONGENITAL; CFEOM3B; BLEPHAROPTOSIS WITH ABSENT EYE MOVEMENTS. Identifiers: MedGen C1851102, MONDO:0021083, OMIM 135700.

Allele frequency attached by ClinVar (database versions not stated): TOPMed 0.00152; 1000 Genomes Project 0.00339; 1000 Genomes Project 30x 0.00531.

Submission:

Illumina Laboratory Services, Illumina
Classification: Benign for Congenital fibrosis of extraocular muscles type 1. Last evaluated: 2018-01-13. Review status: criteria provided, single submitter. Criteria: ICSL Variant Classification Criteria 13 December 2019. Collection method: clinical testing. Allele origin: germline.
Comment: This variant was observed in the ICSL laboratory as part of a predisposition screen in an ostensibly healthy population. It had not been previously curated by ICSL or reported in the Human Gene Mutation Database (HGMD: prior to June 1st, 2018), and was therefore a candidate for classification through an automated scoring system. Utilizing variant allele frequency, disease prevalence and penetrance estimates, and inheritance mode, an automated score was calculated to assess if this variant is too frequent to cause the disease. Based on the score and internal cut-off values, a variant classified as benign is not then subjected to further curation. The score for this variant resulted in a classification of benign for this disease.